The following is an entry in ClinVar:

NM_001378457.1(DMXL2):c.6960G>A (p.Trp2320Ter)

Gene: DMXL2 (Dmx like 2; minus strand). Cytogenetic location: 15q21.2.
Variant type: single nucleotide variant.
Coding change: c.6960G>A on transcript NM_001378457.1 (MANE Select); coding-DNA position 6960, G replaced by A.
Protein change: p.Trp2320Ter; replaces tryptophan 2320 with a stop codon.
Molecular consequence: nonsense. On other transcripts: non-coding transcript variant (2).
Genome position (GRCh38, 1-based): chr15:51,476,593, C>T on the plus strand (G>A on the coding strand, the complement: DMXL2 is on the minus strand). VCF-style: chr15-51476593-C-T. GRCh37 (hg19) VCF-style: chr15-51768790-C-T.
Other names: c.6960G>A, p.Trp2320Ter (NM_001174116.3, NM_001378459.1, NM_001378461.1 and 1 more transcripts); c.5049G>A, p.Trp1683Ter (NM_001174117.3); c.6957G>A, p.Trp2319Ter (NM_001378458.1, NM_001378462.1, NM_015263.5); c.4938G>A, p.Trp1646Ter (NM_001378460.1); c.6717G>A, p.Trp2239Ter (NM_001378464.1); short protein forms W1683*, W2319*, W2320*, W1646*, W2239*.
Identifiers: ClinVar variation 1993189 (VCV001993189.4), dbSNP rs2548431739, ClinGen allele CA392441413.
Genomic context (GRCh38, chr15:51,476,593, plus strand): 5'-TTAGGAAGAAATTGCCAACTAGAAGATTTTTTTTTTTTAATCATTTAAATTCTCACCAGG[C>T]CATTGAGCAGGAGATGAATTTGGTGTTGCGTGTTCTTCAATGCTTTCTGTCCTTAGTCTT-3'

ClinVar aggregate classification (germline): Pathogenic (1 of 4 stars; one submission).

Submission:

Labcorp Genetics (formerly Invitae), Labcorp
Classification: Pathogenic. Last evaluated: 2022-05-12. Review status: criteria provided, single submitter. Criteria: Invitae Variant Classification Sherloc (09022015). Collection method: clinical testing. Allele origin: germline.
Comment: For these reasons, this variant has been classified as Pathogenic. This variant has not been reported in the literature in individuals affected with DMXL2-related conditions. This variant is not present in population databases (gnomAD no frequency). This sequence change creates a premature translational stop signal (p.Trp2320*) in the DMXL2 gene. It is expected to result in an absent or disrupted protein product. Loss-of-function variants in DMXL2 are known to be pathogenic (PMID: 30237576, 31688942).

Literature cited by the submitters: PubMed 30237576; PubMed 31688942.